The following is an entry in ClinVar:

ClinVar aggregate classification (germline): Likely benign. Review status: criteria provided, multiple submitters, no conflicts (2 of 4 stars). 2 submissions from 2 submitters: Likely benign (2). Last evaluated 2024-11-01.

Submissions (2):

CeGaT Center for Human Genetics Tuebingen
Classification: Likely benign. Last evaluated: 2024-11-01. Review status: criteria provided, single submitter. Criteria: CeGaT Center For Human Genetics Tuebingen Variant Classification Criteria Version 2. Collection method: clinical testing. Allele origin: germline. Affected: yes. Observed: 1 variant allele.
Comment: MAGEL2: PM2:Supporting, BP4, BP7

Labcorp Genetics (formerly Invitae), Labcorp
Classification: Likely benign. Last evaluated: 2022-11-14. Review status: criteria provided, single submitter. Criteria: Invitae Variant Classification Sherloc (09022015). Collection method: clinical testing. Allele origin: germline.

NM_019066.5(MAGEL2):c.444A>G (p.Pro148=)

Gene: MAGEL2 (MAGE family member L2; minus strand). Cytogenetic location: 15q11.2.
Variant type: single nucleotide variant.
Coding change: c.444A>G on transcript NM_019066.5 (MANE Select); coding-DNA position 444, A replaced by G.
Protein change: p.Pro148=; no amino-acid change (proline 148 retained).
Molecular consequence: synonymous variant.
Genome position (GRCh38, 1-based): chr15:23,647,299, T>C on the plus strand (A>G on the coding strand, the complement: MAGEL2 is on the minus strand). VCF-style: chr15-23647299-T-C. GRCh37 (hg19) VCF-style: chr15-23892446-T-C.
Identifiers: ClinVar variation 2416279 (VCV002416279.31), dbSNP rs1302307665, ClinGen allele CA711341763.